The following is an entry in ClinVar:

ClinVar aggregate classification (germline): Uncertain significance. Review status: criteria provided, multiple submitters, no conflicts (2 of 4 stars). 7 submissions from 7 submitters: Uncertain significance (7). Last evaluated 2025-06-18.

Conditions:
Inborn genetic diseases. Identifiers: MedGen C0950123, MeSH D030342.
Marinesco-Sjögren syndrome (MSS). Also called: Marinesco-SjÃ¶gren syndrome; Marinesco-Sjogren Syndrome. Identifiers: Orphanet 559, MedGen C0024814, MONDO:0009567, OMIM 248800.

Allele frequency attached by ClinVar (database versions not stated): ExAC 0.00005; gnomAD 0.00010 and 0.00011; gnomAD exomes 0.00010 and 0.00022; TOPMed 0.00016.
gnomAD v4.1: 333 of 1,614,030 alleles (0.021%); highest among the groups gnomAD compares: Non-Finnish European, 0.027%; no homozygotes.

Submissions (7):

Revvity Omics, Revvity
Classification: Uncertain significance for Marinesco-Sjögren syndrome. Last evaluated: 2025-06-18. Review status: criteria provided, single submitter. Criteria: ACMG Guidelines, 2015. Collection method: clinical testing. Allele origin: germline.

Ambry Genetics
Classification: Uncertain significance for Inborn genetic diseases. Last evaluated: 2025-01-19. Review status: criteria provided, single submitter. Criteria: Ambry Variant Classification Scheme 2023. Collection method: clinical testing. Allele origin: germline.

Athena Diagnostics
Classification: Uncertain significance. Last evaluated: 2024-09-24. Review status: criteria provided, single submitter. Criteria: Athena Diagnostics Criteria. Collection method: clinical testing. Allele origin: unknown.
Comment: Available data are insufficient to determine the clinical significance of the variant at this time. The frequency of this variant in the general population is higher than would generally be expected for pathogenic variants in this gene. Polyphen and MutationTaster yielded discordant predictions regarding whether this amino acid change is damaging to the protein.

Blueprint Genetics
Classification: Uncertain significance. Last evaluated: 2024-09-23. Review status: criteria provided, single submitter. Criteria: ACMG Guidelines, 2015. Collection method: clinical testing. Allele origin: germline.

Labcorp Genetics (formerly Invitae), Labcorp
Classification: Uncertain significance for Marinesco-Sjögren syndrome. Last evaluated: 2022-07-11. Review status: criteria provided, single submitter. Criteria: Invitae Variant Classification Sherloc (09022015). Collection method: clinical testing. Allele origin: germline.
Comment: This sequence change replaces valine, which is neutral and non-polar, with methionine, which is neutral and non-polar, at codon 242 of the SIL1 protein (p.Val242Met). This variant is present in population databases (rs545999438, gnomAD 0.02%). This variant has not been reported in the literature in individuals affected with SIL1-related conditions. ClinVar contains an entry for this variant (Variation ID: 448385). Algorithms developed to predict the effect of missense changes on protein structure and function are either unavailable or do not agree on the potential impact of this missense change (SIFT: "Deleterious"; PolyPhen-2: "Benign"; Align-GVGD: "Class C0"). In summary, the available evidence is currently insufficient to determine the role of this variant in disease. Therefore, it has been classified as a Variant of Uncertain Significance.

Illumina Laboratory Services, Illumina
Classification: Uncertain significance for Marinesco-Sjögren syndrome. Last evaluated: 2018-01-12. Review status: criteria provided, single submitter. Criteria: ICSL Variant Classification Criteria 13 December 2019. Collection method: clinical testing. Allele origin: germline.

CeGaT Center for Human Genetics Tuebingen
Classification: Uncertain significance. Last evaluated: 2016-06-01. Review status: criteria provided, single submitter. Criteria: CeGaT Center For Human Genetics Tuebingen Variant Classification Criteria Version 2. Collection method: clinical testing. Allele origin: germline. Affected: yes. Observed: 1 variant allele.

NM_022464.5(SIL1):c.724G>A (p.Val242Met)

Gene: SIL1 (SIL1 nucleotide exchange factor; minus strand). Cytogenetic location: 5q31.2.
Variant type: single nucleotide variant.
Coding change: c.724G>A on transcript NM_022464.5 (MANE Select); coding-DNA position 724, G replaced by A.
Protein change: p.Val242Met; replaces valine 242 with methionine.
Molecular consequence: missense variant.
Genome position (GRCh38, 1-based): chr5:139,021,214, C>T on the plus strand (G>A on the coding strand, the complement: SIL1 is on the minus strand). VCF-style: chr5-139021214-C-T. GRCh37 (hg19) VCF-style: chr5-138356903-C-T.
Other names: c.724G>A, p.Val242Met (NM_001037633.2); short protein forms V242M.
Identifiers: ClinVar variation 448385 (VCV000448385.53), dbSNP rs545999438, ClinGen allele CA3432506.